The following is an entry in ClinVar:

ClinVar aggregate classification (germline): Pathogenic (1 of 4 stars; one submission).

Conditions:
Autosomal recessive limb-girdle muscular dystrophy type 2L (LGMDR12). Also called: Limb-girdle muscular dystrophy, type 2L; MUSCULAR DYSTROPHY, LIMB-GIRDLE, AUTOSOMAL RECESSIVE 12; Limb-Girdle Muscular Dystrophy R12 Anoctamin-5-Related (LGMD-R12). Identifiers: Orphanet 206549, MedGen C1969785, MONDO:0012652, OMIM 611307.
Gnathodiaphyseal dysplasia (GDD). Also called: GNATHODIAPHYSEAL SCLEROSIS; OSTEOGENESIS IMPERFECTA WITH UNUSUAL SKELETAL LESIONS. Identifiers: Orphanet 53697, MedGen C1833736, MONDO:0008151, OMIM 166260.

Submission:

Labcorp Genetics (formerly Invitae), Labcorp
Classification: Pathogenic for Autosomal recessive limb-girdle muscular dystrophy type 2L; Gnathodiaphyseal dysplasia. Last evaluated: 2023-05-22. Review status: criteria provided, single submitter. Criteria: Invitae Variant Classification Sherloc (09022015). Collection method: clinical testing. Allele origin: germline.
Comment: This variant has not been reported in the literature in individuals affected with ANO5-related conditions. For these reasons, this variant has been classified as Pathogenic. ClinVar contains an entry for this variant (Variation ID: 1380487). This variant is not present in population databases (gnomAD no frequency). This sequence change creates a premature translational stop signal (p.Gln256*) in the ANO5 gene. It is expected to result in an absent or disrupted protein product. Loss-of-function variants in ANO5 are known to be pathogenic (PMID: 21186264, 23606453, 25891276, 30919934).

Literature cited by the submitters: PubMed 21186264; PubMed 23606453; PubMed 25891276; PubMed 30919934.

NM_213599.3(ANO5):c.766C>T (p.Gln256Ter)

Gene: ANO5 (anoctamin 5; plus strand). Cytogenetic location: 11p14.3.
Variant type: single nucleotide variant.
Coding change: c.766C>T on transcript NM_213599.3 (MANE Select); coding-DNA position 766, C replaced by T.
Protein change: p.Gln256Ter; replaces glutamine 256 with a stop codon.
Molecular consequence: nonsense.
Genome position (GRCh38, 1-based): chr11:22,239,572, C>T. VCF-style: chr11-22239572-C-T. GRCh37 (hg19) VCF-style: chr11-22261118-C-T.
Other names: c.763C>T, p.Gln255Ter (NM_001142649.2); short protein forms Q255*, Q256*.
Identifiers: ClinVar variation 1380487 (VCV001380487.6), dbSNP rs794727981, ClinGen allele CA379920370.